The following is an entry in ClinVar:

ClinVar aggregate classification (germline): Conflicting classifications of pathogenicity. Review status: criteria provided, conflicting classifications (1 of 4 stars). 3 submissions from 3 submitters: Uncertain significance (1); Likely benign (2). Last evaluated 2025-11-23.

Conditions:
Inborn genetic diseases. Identifiers: MedGen C0950123, MeSH D030342.
Intellectual disability, CASK-related, X-linked. Identifiers: MedGen CN043158.

Allele frequency attached by ClinVar (database versions not stated): ExAC 0.00001; gnomAD exomes 0.00002 and 0.00008; TOPMed 0.00004; gnomAD 0.00005.
gnomAD v4.1: 25 of 1,201,332 alleles (0.0021%); highest among the groups gnomAD compares: Admixed American, 0.035%; no homozygotes.

Submissions (3):

Labcorp Genetics (formerly Invitae), Labcorp
Classification: Likely benign for Intellectual disability, CASK-related, X-linked. Last evaluated: 2025-11-23. Review status: criteria provided, single submitter. Criteria: Invitae Variant Classification Sherloc (09022015). Collection method: clinical testing. Allele origin: germline.

GeneDx
Classification: Likely benign. Last evaluated: 2021-06-15. Review status: criteria provided, single submitter. Criteria: GeneDx Variant Classification Process June 2021. Collection method: clinical testing. Allele origin: germline. Affected: yes.

Ambry Genetics
Classification: Uncertain significance for Inborn genetic diseases. Last evaluated: 2017-05-31. Review status: criteria provided, single submitter. Criteria: Ambry Variant Classification Scheme 2023. Collection method: clinical testing. Allele origin: germline.
Comment: The p.D471N variant (also known as c.1411G>A), located in coding exon 15 of the CASK gene, results from a G to A substitution at nucleotide position 1411. The aspartic acid at codon 471 is replaced by asparagine, an amino acid with highly similar properties. This amino acid position is highly conserved in available vertebrate species. In addition, this alteration is predicted to be tolerated by in silico analysis. Since supporting evidence is limited at this time, the clinical significance of this alteration remains unclear.

NM_001367721.1(CASK):c.1411G>A (p.Asp471Asn)

Gene: CASK (calcium/calmodulin dependent serine protein kinase; minus strand). Cytogenetic location: Xp11.4.
Variant type: single nucleotide variant.
Coding change: c.1411G>A on transcript NM_001367721.1 (MANE Select); coding-DNA position 1411, G replaced by A.
Protein change: p.Asp471Asn; replaces aspartic acid 471 with asparagine.
Molecular consequence: missense variant.
Genome position (GRCh38, 1-based): chrX:41,578,432, C>T on the plus strand (G>A on the coding strand, the complement: CASK is on the minus strand). VCF-style: chrX-41578432-C-T. GRCh37 (hg19) VCF-style: chrX-41437685-C-T.
Other names: c.1411G>A, p.Asp471Asn (NM_001126054.3, NM_003688.4); c.1393G>A, p.Asp465Asn (NM_001126055.3, NM_001410745.1); short protein forms D471N, D465N.
Identifiers: ClinVar variation 470206 (VCV000470206.18), dbSNP rs201435578, ClinGen allele CA10390208.